The following is an entry in ClinVar:

ClinVar aggregate classification (germline): Uncertain significance. Review status: criteria provided, multiple submitters, no conflicts (2 of 4 stars). 2 submissions from 2 submitters: Uncertain significance (2). Last evaluated 2024-11-21.

Conditions:
Inborn genetic diseases. Identifiers: MedGen C0950123, MeSH D030342.

Allele frequency attached by ClinVar (database versions not stated): TOPMed 0.00001; gnomAD 0.00001.
gnomAD v4.1: 1 of 1,612,356 alleles (0.000062%); highest among the groups gnomAD compares: African/African-American, 0.0013%; no homozygotes.

Submissions (2):

Ambry Genetics
Classification: Uncertain significance for Inborn genetic diseases. Last evaluated: 2024-11-21. Review status: criteria provided, single submitter. Criteria: Ambry Variant Classification Scheme 2023. Collection method: clinical testing. Allele origin: germline.

GeneDx
Classification: Uncertain significance. Last evaluated: 2023-01-11. Review status: criteria provided, single submitter. Criteria: GeneDx Variant Classification Process June 2021. Collection method: clinical testing. Allele origin: germline. Affected: yes.
Comment: Not observed at significant frequency in large population cohorts (gnomAD); In silico analysis supports that this missense variant does not alter protein structure/function; Has not been previously published as pathogenic or benign to our knowledge

NM_006941.4(SOX10):c.671C>T (p.Ser224Leu)

Genes: POLR2F (RNA polymerase II, I and III subunit F; plus strand), SOX10 (SRY-box transcription factor 10; minus strand). Cytogenetic location: 22q13.1.
Variant type: single nucleotide variant.
Coding change: c.671C>T on transcript NM_006941.4 (MANE Select); coding-DNA position 671, C replaced by T.
Protein change: p.Ser224Leu; replaces serine 224 with leucine.
Molecular consequence: missense variant. On other transcripts: intron variant (3).
Genome position (GRCh38, 1-based): chr22:37,977,893, G>A on the plus strand (C>T on the coding strand, the complement: SOX10 is on the minus strand). VCF-style: chr22-37977893-G-A. GRCh37 (hg19) VCF-style: chr22-38373900-G-A.
Other names: c.*38+5583G>A (NM_001363825.1); c.294-8261G>A (NM_001301130.2); c.293+10723G>A (NM_001301131.2); short protein forms S224L.
Identifiers: ClinVar variation 2572705 (VCV002572705.2), dbSNP rs940482154, ClinGen allele CA324163548.